The following is an entry in ClinVar:

ClinVar aggregate classification (germline): Conflicting classifications of pathogenicity. Review status: criteria provided, conflicting classifications (1 of 4 stars). 22 submissions from 22 submitters: Uncertain significance (1); Benign (14); Likely benign (3). 4 of the submissions do not count toward it. Last evaluated 2026-02-03.

Conditions:
Cardiac arrhythmia. Also called: Arrhythmia; Cardiac rhythm disease. Identifiers: MedGen C0003811, MONDO:0007263, HP:0011675.
Cardiovascular phenotype. Identifiers: MedGen CN230736.
Catecholaminergic polymorphic ventricular tachycardia 1. Also called: VENTRICULAR TACHYCARDIA, STRESS-INDUCED POLYMORPHIC 1; RYR2-Related Catecholaminergic Polymorphic Ventricular Tachycardia; VENTRICULAR TACHYCARDIA, CATECHOLAMINERGIC POLYMORPHIC, 1, WITH OR WITHOUT ATRIAL DYSFUNCTION AND/OR DILATED CARDIOMYOPATHY. Identifiers: Orphanet 3286, MedGen C1631597, MONDO:0011484, OMIM 604772.
Catecholaminergic polymorphic ventricular tachycardia 2. Also called: VENTRICULAR TACHYCARDIA, STRESS-INDUCED POLYMORPHIC 2; CASQ2-Related Catecholaminergic Polymorphic Ventricular Tachycardia. Identifiers: Orphanet 3286, MedGen C2677794, MONDO:0012762, OMIM 611938.
Cardiomyopathy (CMYO). Also called: Cardiomyopathies. Identifiers: Orphanet 167848, MedGen C0878544, MONDO:0004994, HP:0001638. Inheritance: Various modes of inheritance.

Allele frequency attached by ClinVar (database versions not stated): gnomAD 0.02511 and 0.02360; ESP Exome Variant Server 0.02660; TOPMed 0.02678; gnomAD exomes 0.00623 and 0.00223; ExAC 0.00829; 1000 Genomes Project 30x 0.03014; 1000 Genomes Project 0.02835.
gnomAD v4.1: 6,841 of 1,572,306 alleles (0.44%); highest among the groups gnomAD compares: African/African-American, 8.1%; 244 homozygotes.

Submissions (22):

Labcorp Genetics (formerly Invitae), Labcorp
Classification: Benign for Catecholaminergic polymorphic ventricular tachycardia 1. Last evaluated: 2026-02-03. Review status: criteria provided, single submitter. Criteria: Invitae Variant Classification Sherloc (09022015). Collection method: clinical testing. Allele origin: germline.

ARUP Laboratories, Molecular Genetics and Genomics, ARUP Laboratories
Classification: Benign for Catecholaminergic polymorphic ventricular tachycardia 2. Last evaluated: 2025-07-08. Review status: criteria provided, single submitter. Criteria: ARUP Molecular Germline Variant Investigation Process 2024. Collection method: clinical testing. Allele origin: germline.

Molecular Diagnostic Laboratory for Inherited Cardiovascular Disease, Montreal Heart Institute
Classification: Benign. Last evaluated: 2025-04-09. Review status: criteria provided, single submitter. Criteria: ACMG Guidelines, 2015. Collection method: clinical testing. Allele origin: germline. Affected: no.

Genome-Nilou Lab
Classification: Likely benign for Catecholaminergic polymorphic ventricular tachycardia 2. Last evaluated: 2023-04-11. Review status: criteria provided, single submitter. Criteria: ACMG Guidelines, 2015. Collection method: clinical testing. Allele origin: germline. Affected: no.

Fulgent Genetics
Classification: Benign for Catecholaminergic polymorphic ventricular tachycardia 1; Catecholaminergic polymorphic ventricular tachycardia 2. Last evaluated: 2021-08-13. Review status: criteria provided, single submitter. Criteria: ACMG Guidelines, 2015. Collection method: clinical testing. Allele origin: unknown.

Illumina Laboratory Services, Illumina
Classification: Likely benign for Catecholaminergic polymorphic ventricular tachycardia 2. Last evaluated: 2017-04-27. Review status: criteria provided, single submitter. Criteria: ICSL Variant Classification Criteria 13 December 2019. Collection method: clinical testing. Allele origin: germline.
Comment: This variant was observed as part of a predisposition screen in an ostensibly healthy population. A literature search was performed for the gene, cDNA change, and amino acid change (where applicable). Publications were found based on this search. The evidence from the literature, in combination with allele frequency data from public databases where available, was sufficient to determine this variant is unlikely to cause disease. Therefore, this variant is classified as likely benign.

Center for Pediatric Genomic Medicine, Children's Mercy Hospital and Clinics
Classification: Benign. Last evaluated: 2016-07-22. Review status: criteria provided, single submitter. Criteria: ACMG Guidelines, 2015. Collection method: clinical testing. Allele origin: germline.

Stanford Center for Inherited Cardiovascular Disease, Stanford University
Classification: Uncertain significance. Last evaluated: 2015-10-05. Review status: criteria provided, single submitter. Criteria: ACMG Guidelines, 2015. Collection method: provider interpretation. Allele origin: germline.

Clinical Genetics DNA and cytogenetics Diagnostics Lab, Erasmus MC, Erasmus Medical Center
Classification: Benign for Catecholaminergic polymorphic ventricular tachycardia 2. Last evaluated: 2015-09-21. Review status: criteria provided, single submitter. Criteria: ACGS Guidelines, 2013. Collection method: clinical testing. Allele origin: germline. Affected: yes. Study: VKGL Data-share Consensus.

CHEO Genetics Diagnostic Laboratory, Children's Hospital of Eastern Ontario
Classification: Benign for Cardiomyopathy. Last evaluated: 2015-09-17. Review status: criteria provided, single submitter. Criteria: ACMG Guidelines, 2015. Collection method: clinical testing. Allele origin: germline. Study: Canadian Open Genetics Repository.

Ambry Genetics
Classification: Benign for Cardiovascular phenotype. Last evaluated: 2015-03-23. Review status: criteria provided, single submitter. Criteria: Ambry Variant Classification Scheme 2023. Collection method: clinical testing. Allele origin: germline.

Genome Diagnostics Laboratory, University Medical Center Utrecht
Classification: Benign for Catecholaminergic polymorphic ventricular tachycardia 2. Last evaluated: 2014-10-09. Review status: criteria provided, single submitter. Criteria: ACGS Guidelines, 2013. Collection method: clinical testing. Allele origin: germline. Affected: yes. Study: VKGL Data-share Consensus.

Mayo Clinic Laboratories, Mayo Clinic
Classification: Benign. Last evaluated: 2014-09-05. Review status: criteria provided, single submitter. Criteria: ACMG Guidelines, 2015. Collection method: clinical testing. Allele origin: germline. Observed: 4 variant alleles.

Biesecker Lab/Clinical Genomics Section, National Institutes of Health
Classification: Benign. Last evaluated: 2013-06-24. Review status: criteria provided, single submitter. Criteria: Ng et al. (Circ Cardiovasc Genet. 2013). Collection method: research. Allele origin: unknown. Observed: 3 variant alleles. Study: ClinSeq.
Comment: The study set was not selected for affection status in relation to any cancer. Pathogenicity categories were based on literature curation. See Pubmed ID:23861362 for details.

Medical sequencing

Eurofins Ntd Llc (ga)
Classification: Benign. Last evaluated: 2013-06-10. Review status: criteria provided, single submitter. Criteria: EGL Classification Definitions 2015. Collection method: clinical testing. Allele origin: germline. Observed: 1 variant allele, 1 heterozygote.

Laboratory for Molecular Medicine, Mass General Brigham Personalized Medicine
Classification: Benign. Last evaluated: 2012-04-25. Review status: criteria provided, single submitter. Criteria: LMM Criteria. Collection method: clinical testing. Allele origin: germline. Observed: 32 variant alleles.

GeneDx
Classification: Benign. Last evaluated: 2012-03-19. Review status: criteria provided, single submitter. Criteria: GeneDx Variant Classification (06012015). Collection method: clinical testing. Allele origin: germline. Affected: yes.
Comment: This variant is considered likely benign or benign based on one or more of the following criteria: it is a conservative change, it occurs at a poorly conserved position in the protein, it is predicted to be benign by multiple in silico algorithms, and/or has population frequency not consistent with disease.

Breakthrough Genomics
Classification: Likely benign. Review status: criteria provided, single submitter. Criteria: ACMG Guidelines, 2015. Collection method: not provided. Allele origin: germline. Inheritance: Autosomal recessive inheritance. Affected: yes.

Women's Health and Genetics/Laboratory Corporation of America, LabCorp
Classification: Benign for Arrhythmia. Last evaluated: 2015-04-29. Review status: no assertion criteria provided. Collection method: clinical testing. Allele origin: germline. Not counted in ClinVar's aggregate classification.

Clinical Genetics, Academic Medical Center
Classification: Benign. Review status: no assertion criteria provided. Collection method: clinical testing. Allele origin: germline. Affected: yes. Study: VKGL Data-share Consensus. Not counted in ClinVar's aggregate classification.

Joint Genome Diagnostic Labs from Nijmegen and Maastricht, Radboudumc and MUMC+
Classification: Benign. Review status: no assertion criteria provided. Collection method: clinical testing. Allele origin: germline. Affected: yes. Study: VKGL Data-share Consensus. Not counted in ClinVar's aggregate classification.

Laboratory of Diagnostic Genome Analysis, Leiden University Medical Center (LUMC)
Classification: Likely benign. Review status: no assertion criteria provided. Collection method: clinical testing. Allele origin: germline. Affected: yes. Study: VKGL Data-share Consensus. Not counted in ClinVar's aggregate classification.

Literature cited by the submitters: PubMed 20530761 (cited by Illumina Laboratory Services, Illumina).

NM_001232.4(CASQ2):c.731A>G (p.His244Arg)

Gene: CASQ2 (calsequestrin 2; minus strand). Cytogenetic location: 1p13.1.
Variant type: single nucleotide variant.
Coding change: c.731A>G on transcript NM_001232.4 (MANE Select); coding-DNA position 731, A replaced by G.
Protein change: p.His244Arg; replaces histidine 244 with arginine.
Molecular consequence: missense variant.
Genome position (GRCh38, 1-based): chr1:115,726,998, T>C on the plus strand (A>G on the coding strand, the complement: CASQ2 is on the minus strand). VCF-style: chr1-115726998-T-C. GRCh37 (hg19) VCF-style: chr1-116269619-T-C.
Other names: p.H244R:CAC>CGC; short protein forms H244R.
Identifiers: ClinVar variation 35772 (VCV000035772.45), dbSNP rs28730716, ClinGen allele CA213554.